The following is an entry in ClinVar:

ClinVar aggregate classification (germline): Uncertain significance. Review status: criteria provided, multiple submitters, no conflicts (2 of 4 stars). 2 submissions from 2 submitters: Uncertain significance (2). Last evaluated 2025-06-16.

Conditions:
Hereditary cancer-predisposing syndrome. Also called: Neoplastic Syndromes, Hereditary; Tumor predisposition; Hereditary neoplastic syndrome; Hereditary Cancer Syndrome. Identifiers: Orphanet 140162, MedGen C0027672, MeSH D009386, MONDO:0015356.
Familial adenomatous polyposis 2. Also called: COLORECTAL ADENOMATOUS POLYPOSIS, AUTOSOMAL RECESSIVE; ADENOMAS, MULTIPLE COLORECTAL, AUTOSOMAL RECESSIVE; MUTYH-associated polyposis; FAP type 2; MUTYH-related attenuated familial adenomatous polyposis; Adenomas, multiple colorectal. Identifiers: Orphanet 220460, Orphanet 247798, MedGen C3272841, MONDO:0012041, OMIM 608456.

gnomAD v4.1: 1 of 1,614,228 alleles (0.000062%); no homozygotes.

Submissions (2):

Labcorp Genetics (formerly Invitae), Labcorp
Classification: Uncertain significance for Familial adenomatous polyposis 2. Last evaluated: 2025-06-16. Review status: criteria provided, single submitter. Criteria: Invitae Variant Classification Sherloc (09022015). Collection method: clinical testing. Allele origin: germline.
Comment: This sequence change replaces glutamic acid, which is acidic and polar, with lysine, which is basic and polar, at codon 169 of the MUTYH protein (p.Glu169Lys). This variant is not present in population databases (gnomAD no frequency). This variant has not been reported in the literature in individuals affected with MUTYH-related conditions. ClinVar contains an entry for this variant (Variation ID: 464728). An algorithm developed to predict the effect of missense changes on protein structure and function (PolyPhen-2) suggests that this variant is likely to be disruptive. In summary, the available evidence is currently insufficient to determine the role of this variant in disease. Therefore, it has been classified as a Variant of Uncertain Significance.

Ambry Genetics
Classification: Uncertain significance for Hereditary cancer-predisposing syndrome. Last evaluated: 2025-01-15. Review status: criteria provided, single submitter. Criteria: Ambry Variant Classification Scheme 2023. Collection method: clinical testing. Allele origin: germline.
Comment: The p.E169K variant (also known as c.505G>A) is located in coding exon 7 of the MUTYH gene. The glutamic acid at codon 169 is replaced by lysine, an amino acid with similar properties. This change occurs in the first base pair of coding exon 7; however, RNA studies have demonstrated that this alteration does not result in abnormal splicing in the set of samples tested (Ambry internal data). This amino acid position is highly conserved in available vertebrate species. In addition, this alteration is predicted to be deleterious by in silico analysis. Based on the available evidence, the clinical significance of this variant remains unclear.

NM_001048174.2(MUTYH):c.421G>A (p.Glu141Lys)

Gene: MUTYH (mutY DNA glycosylase; minus strand). Cytogenetic location: 1p34.1.
Variant type: single nucleotide variant.
Coding change: c.421G>A on transcript NM_001048174.2 (MANE Select); coding-DNA position 421, G replaced by A.
Protein change: p.Glu141Lys; replaces glutamic acid 141 with lysine.
Molecular consequence: missense variant. On other transcripts: non-coding transcript variant (2).
Genome position (GRCh38, 1-based): chr1:45,332,834, C>T on the plus strand (G>A on the coding strand, the complement: MUTYH is on the minus strand). VCF-style: chr1-45332834-C-T. GRCh37 (hg19) VCF-style: chr1-45798506-C-T.
Other names: c.421G>A, p.Glu141Lys (NM_001048171.2, NM_001048173.2, NM_001293195.2); c.424G>A, p.Glu142Lys (NM_001048172.2); c.505G>A, p.Glu169Lys (NM_001128425.2); c.466G>A, p.Glu156Lys (NM_001293190.2); c.454G>A, p.Glu152Lys (NM_001293191.2); c.145G>A, p.Glu49Lys (NM_001293192.2, NM_001293196.2); c.76G>A, p.Glu26Lys (NM_001350650.2, NM_001350651.2); c.496G>A, p.Glu166Lys (NM_012222.3); short protein forms E169K, E26K, E49K, E142K, E166K, E141K, E152K, E156K.
Identifiers: ClinVar variation 464728 (VCV000464728.12), dbSNP rs1553129083, ClinGen allele CA340135866.